The following is an entry in ClinVar:

ClinVar aggregate classification (germline): Likely pathogenic (1 of 4 stars; one submission).

Conditions:
Autosomal dominant intellectual disability-craniofacial anomalies-cardiac defects syndrome (ARTHS). Also called: Mental retardation, autosomal dominant 32; Arboleda-Tham syndrome; KAT6A syndrome. Identifiers: Orphanet 457193, MedGen C4225396, MONDO:0014558, OMIM 616268.

Submission:

Institute of Immunology and Genetics Kaiserslautern
Classification: Likely pathogenic for Autosomal dominant intellectual disability-craniofacial anomalies-cardiac defects syndrome. Last evaluated: 2025-10-07. Review status: criteria provided, single submitter. Criteria: ACMG Guidelines, 2015. Collection method: clinical testing. Allele origin: de novo. Affected: yes.
Comment: ACMG Criteria: PS2, PM2_P, PP3 ; Variant was found in heterozygous state.

NM_006766.5(KAT6A):c.1694C>G (p.Pro565Arg)

Gene: KAT6A (lysine acetyltransferase 6A; minus strand). Cytogenetic location: 8p11.21.
Variant type: single nucleotide variant.
Coding change: c.1694C>G on transcript NM_006766.5 (MANE Select); coding-DNA position 1694, C replaced by G.
Protein change: p.Pro565Arg; replaces proline 565 with arginine.
Molecular consequence: missense variant.
Genome position (GRCh38, 1-based): chr8:41,949,268, G>C on the plus strand (C>G on the coding strand, the complement: KAT6A is on the minus strand). VCF-style: chr8-41949268-G-C. GRCh37 (hg19) VCF-style: chr8-41806786-G-C.
Other names: c.1694C>G, p.Pro565Arg (NM_001305878.2); short protein forms P565R.
Identifiers: ClinVar variation 4851431 (VCV004851431.1).